The following is an entry in ClinVar:

ClinVar aggregate classification (germline): Uncertain significance (1 of 4 stars; one submission).

Submission:

Labcorp Genetics (formerly Invitae), Labcorp
Classification: Uncertain significance. Last evaluated: 2021-12-13. Review status: criteria provided, single submitter. Criteria: Invitae Variant Classification Sherloc (09022015). Collection method: clinical testing. Allele origin: germline.
Comment: In summary, the available evidence is currently insufficient to determine the role of this variant in disease. Therefore, it has been classified as a Variant of Uncertain Significance. Algorithms developed to predict the effect of sequence changes on RNA splicing suggest that this variant may create or strengthen a splice site. Algorithms developed to predict the effect of missense changes on protein structure and function are either unavailable or do not agree on the potential impact of this missense change (SIFT: "Deleterious"; PolyPhen-2: "Probably Damaging"; Align-GVGD: "Class C0"). This variant has not been reported in the literature in individuals affected with ACACA-related conditions. This variant is not present in population databases (gnomAD no frequency). This sequence change replaces valine, which is neutral and non-polar, with glycine, which is neutral and non-polar, at codon 537 of the ACACA protein (p.Val537Gly).

NM_198834.3(ACACA):c.1721T>G (p.Val574Gly)

Gene: ACACA (acetyl-CoA carboxylase alpha; minus strand). Cytogenetic location: 17q12.
Variant type: single nucleotide variant.
Coding change: c.1721T>G on transcript NM_198834.3 (MANE Select); coding-DNA position 1721, T replaced by G.
Protein change: p.Val574Gly; replaces valine 574 with glycine.
Molecular consequence: missense variant.
Genome position (GRCh38, 1-based): chr17:37,257,808, A>C on the plus strand (T>G on the coding strand, the complement: ACACA is on the minus strand). VCF-style: chr17-37257808-A-C. GRCh37 (hg19) VCF-style: chr17-35614730-A-C.
Other names: c.1610T>G, p.Val537Gly (NM_198836.3, NM_198839.3); c.1436T>G, p.Val479Gly (NM_198837.2); c.1376T>G, p.Val459Gly (NM_198838.2); short protein forms V537G, V574G, V459G, V479G.
Identifiers: ClinVar variation 2087675 (VCV002087675.4), dbSNP rs2546490843, ClinGen allele CA398743513.
Genomic context (GRCh38, chr17:37,257,808, plus strand): 5'-AACTGAGAATCAGCAAATTCATGAAGTCCCCCTGCAGCAGCAACACTGAAATATCCCCAA[A>C]CATTCTTATTGCTGCGGAAATTTAGCTCCTGAACTGTTCCTGAGCTGGGCTTAAAACCCT-3'
Protein context (NP_942131.1, residues 564-584): QELNFRSNKN[Val574Gly]WGYFSVAAAG